The following is an entry in ClinVar:

NM_014319.5(LEMD3):c.529C>G (p.Leu177Val)

Gene: LEMD3 (LEM domain containing 3; plus strand). Cytogenetic location: 12q14.3.
Variant type: single nucleotide variant.
Coding change: c.529C>G on transcript NM_014319.5 (MANE Select); coding-DNA position 529, C replaced by G.
Protein change: p.Leu177Val; replaces leucine 177 with valine.
Molecular consequence: missense variant.
Genome position (GRCh38, 1-based): chr12:65,170,125, C>G. VCF-style: chr12-65170125-C-G. GRCh37 (hg19) VCF-style: chr12-65563905-C-G.
Other names: c.529C>G, p.Leu177Val (NM_001167614.2); c.529C>G (NM_014319.4); short protein forms L177V.
Identifiers: ClinVar variation 3604595 (VCV003604595.3).

ClinVar aggregate classification (germline): Uncertain significance (1 of 4 stars; one submission).

Conditions:
Dermatofibrosis lenticularis disseminata (BOS). Also called: OSTEOPATHIA CONDENSANS DISSEMINATA; DERMATOFIBROSIS LENTICULARIS DISSEMINATA WITH OSTEOPOIKILOSIS; DERMATOOSTEOPOIKILOSIS. Identifiers: Orphanet 1306, MedGen C0265514, MONDO:0008157, OMIM 166700.
Osteopoikilosis. Also called: Osteopoikilosis (disease). Identifiers: MedGen C0029455, MONDO:0001414, HP:0010739.

gnomAD v4.1: 24 of 1,461,304 alleles (0.0016%); highest among the groups gnomAD compares: Non-Finnish European, 0.0021%; no homozygotes.

Submission:

Labcorp Genetics (formerly Invitae), Labcorp
Classification: Uncertain significance. Last evaluated: 2025-08-18. Review status: criteria provided, single submitter. Criteria: Invitae Variant Classification Sherloc (09022015). Collection method: clinical testing. Allele origin: germline.
Comment: This sequence change replaces leucine, which is neutral and non-polar, with valine, which is neutral and non-polar, at codon 177 of the LEMD3 protein (p.Leu177Val). This variant is present in population databases (no rsID available, gnomAD 0.009%). This variant has not been reported in the literature in individuals affected with LEMD3-related conditions. ClinVar contains an entry for this variant (Variation ID: 3604595). Invitae Evidence Modeling of protein sequence and biophysical properties (such as structural, functional, and spatial information, amino acid conservation, physicochemical variation, residue mobility, and thermodynamic stability) indicates that this missense variant is not expected to disrupt LEMD3 protein function with a negative predictive value of 80%. In summary, the available evidence is currently insufficient to determine the role of this variant in disease. Therefore, it has been classified as a Variant of Uncertain Significance.